The following is an entry in ClinVar:

ClinVar aggregate classification (germline): Uncertain significance. Review status: criteria provided, multiple submitters, no conflicts (2 of 4 stars). 3 submissions from 3 submitters: Uncertain significance (3). Last evaluated 2026-03-18.

Conditions:
Cardiovascular phenotype. Identifiers: MedGen CN230736.
Dilated cardiomyopathy 1II (CMD1II). Identifiers: Orphanet 154, MedGen C3554649, MONDO:0014073, OMIM 615184.

Allele frequency attached by ClinVar (database versions not stated): gnomAD exomes 0.00003; TOPMed 0.00003; ExAC 0.00002.
gnomAD v4.1: 18 of 1,597,276 alleles (0.0011%); highest among the groups gnomAD compares: African/African-American, 0.0067%; no homozygotes.

Submissions (3):

Dasa
Classification: Uncertain significance. Last evaluated: 2026-03-18. Review status: criteria provided, single submitter. Criteria: DASA Assertion Criteria. Collection method: clinical testing. Allele origin: germline.
Comment: NM_001289808.2(CRYAB):c.31C>T (p.Arg11Cys) is a missense variant that results in the substitution of arginine with cysteine. This variant is rare in population databases. Computational prediction algorithms are consistent with a deleterious effect. The currently available literature and clinical evidence are not sufficient to establish a definitive association between this variant and the reported condition. Therefore, this variant is classified as a variant of uncertain significance.

Labcorp Genetics (formerly Invitae), Labcorp
Classification: Uncertain significance for Dilated cardiomyopathy 1II. Last evaluated: 2025-08-18. Review status: criteria provided, single submitter. Criteria: Invitae Variant Classification Sherloc (09022015). Collection method: clinical testing. Allele origin: germline.
Comment: This sequence change replaces arginine, which is basic and polar, with cysteine, which is neutral and slightly polar, at codon 11 of the CRYAB protein (p.Arg11Cys). The frequency data for this variant in the population databases is considered unreliable, as metrics indicate poor data quality at this position in the gnomAD database. This missense change has been observed in individual(s) with autosomal recessive congenital cataracts and/or clinical features of autosomal dominant myofibrillar myopathy (PMID: 26402864, 37188302). It has also been observed to segregate with disease in related individuals. ClinVar contains an entry for this variant (Variation ID: 222531). An algorithm developed to predict the effect of missense changes on protein structure and function (PolyPhen-2) suggests that this variant is likely to be disruptive. This variant disrupts the p.Arg11 amino acid residue in CRYAB. Other variant(s) that disrupt this residue have been observed in individuals with CRYAB-related conditions (PMID: 19597569), which suggests that this may be a clinically significant amino acid residue. In summary, the available evidence is currently insufficient to determine the role of this variant in disease. Therefore, it has been classified as a Variant of Uncertain Significance.

Ambry Genetics
Classification: Uncertain significance for Cardiovascular phenotype. Last evaluated: 2025-04-30. Review status: criteria provided, single submitter. Criteria: Ambry Variant Classification Scheme 2023. Collection method: clinical testing. Allele origin: germline.
Comment: The p.R11C variant (also known as c.31C>T), located in coding exon 1 of the CRYAB gene, results from a C to T substitution at nucleotide position 31. The arginine at codon 11 is replaced by cysteine, an amino acid with highly dissimilar properties. This variant was reported in a family with non-syndromic cataracts and an individual with features consistent with a myopathy (Jiao X et al. PLoS One, 2015 Sep;10:e0137973; Wei XJ et al. Front Neurol, 2023 Apr;14:1152738). This amino acid position is highly conserved in available vertebrate species. In addition, this alteration is predicted to be deleterious by in silico analysis. Based on the available evidence, the clinical significance of this variant remains unclear.

Literature cited by the submitters: PubMed 26402864 (cited by Labcorp Genetics (formerly Invitae), Labcorp and Ambry Genetics); PubMed 37188302 (cited by Labcorp Genetics (formerly Invitae), Labcorp and Ambry Genetics); PubMed 19597569 (cited by Labcorp Genetics (formerly Invitae), Labcorp).

NM_001289808.2(CRYAB):c.31C>T (p.Arg11Cys)

Gene: CRYAB (crystallin alpha B; minus strand). Cytogenetic location: 11q23.1.
Variant type: single nucleotide variant.
Coding change: c.31C>T on transcript NM_001289808.2 (MANE Select); coding-DNA position 31, C replaced by T.
Protein change: p.Arg11Cys; replaces arginine 11 with cysteine.
Molecular consequence: missense variant.
Genome position (GRCh38, 1-based): chr11:111,911,694, G>A on the plus strand (C>T on the coding strand, the complement: CRYAB is on the minus strand). VCF-style: chr11-111911694-G-A. GRCh37 (hg19) VCF-style: chr11-111782418-G-A.
Other names: c.31C>T, p.Arg11Cys (NM_001289807.1, NM_001368245.1, NM_001885.3); short protein forms R11C.
Identifiers: ClinVar variation 222531 (VCV000222531.13), dbSNP rs781902168, ClinGen allele CA088693.